The following is an entry in ClinVar:

ClinVar aggregate classification (germline): Conflicting classifications of pathogenicity. Review status: criteria provided, conflicting classifications (1 of 4 stars). 2 submissions from 2 submitters: Uncertain significance (1); Likely benign (1). Last evaluated 2025-09-26.

Conditions:
Hereditary nonpolyposis colorectal neoplasms. Identifiers: MedGen C0009405, MeSH D003123.
Hereditary cancer-predisposing syndrome. Also called: Neoplastic Syndromes, Hereditary; Tumor predisposition; Hereditary Cancer Syndrome; Hereditary neoplastic syndrome. Identifiers: Orphanet 140162, MedGen C0027672, MeSH D009386, MONDO:0015356.

gnomAD v4.1: 3 of 1,614,104 alleles (0.00019%); highest among the groups gnomAD compares: South Asian, 0.0011%; no homozygotes.

Submissions (2):

Ambry Genetics
Classification: Uncertain significance for Hereditary cancer-predisposing syndrome. Last evaluated: 2025-09-26. Review status: criteria provided, single submitter. Criteria: Ambry Variant Classification Scheme 2023. Collection method: clinical testing. Allele origin: germline.
Comment: The p.S631C variant (also known as c.1892C>G), located in coding exon 4 of the MSH6 gene, results from a C to G substitution at nucleotide position 1892. The serine at codon 631 is replaced by cysteine, an amino acid with dissimilar properties. This amino acid position is poorly conserved in available vertebrate species. In addition, this alteration is predicted to be tolerated by in silico analysis. Since supporting evidence is limited at this time, the clinical significance of this alteration remains unclear.

Labcorp Genetics (formerly Invitae), Labcorp
Classification: Likely benign for Hereditary nonpolyposis colorectal neoplasms. Last evaluated: 2023-06-29. Review status: criteria provided, single submitter. Criteria: Invitae Variant Classification Sherloc (09022015). Collection method: clinical testing. Allele origin: germline.

NM_000179.3(MSH6):c.1892C>G (p.Ser631Cys)

Gene: MSH6 (mutS homolog 6; plus strand). Cytogenetic location: 2p16.3.
Variant type: single nucleotide variant.
Coding change: c.1892C>G on transcript NM_000179.3 (MANE Select); coding-DNA position 1892, C replaced by G.
Protein change: p.Ser631Cys; replaces serine 631 with cysteine.
Molecular consequence: missense variant.
Genome position (GRCh38, 1-based): chr2:47,799,875, C>G. VCF-style: chr2-47799875-C-G. GRCh37 (hg19) VCF-style: chr2-48027014-C-G.
Other names: c.1892C>G, p.Ser631Cys (NM_001406808.1, NM_001406809.1, NM_001406796.1 and 3 more transcripts); c.986C>G, p.Ser329Cys (NM_001406811.1, NM_001281493.2, NM_001281494.2 and 6 more transcripts); c.1367C>G, p.Ser456Cys (NM_001406806.1, NM_001406807.1, NM_001406799.1); c.1502C>G, p.Ser501Cys (NM_001281492.2); c.1988C>G, p.Ser663Cys (NM_001406795.1, NM_001406802.1); c.1595C>G, p.Ser532Cys (NM_001406797.1, NM_001406801.1, NM_001406805.1 and 10 more transcripts); c.1814C>G, p.Ser605Cys (NM_001406804.1); c.1898C>G, p.Ser633Cys (NM_001406813.1); and 1 more; short protein forms S329C, S532C, S575C, S631C, S633C, S663C, S605C, S456C.
Identifiers: ClinVar variation 1782093 (VCV001782093.6), dbSNP rs1159989759, ClinGen allele CA346750045.